The following is an entry in ClinVar:

ClinVar aggregate classification (germline): Uncertain significance (1 of 4 stars; one submission).

Allele frequency attached by ClinVar (database versions not stated): gnomAD 0.00001.
gnomAD v4.1: 9 of 1,604,566 alleles (0.00056%); highest among the groups gnomAD compares: African/African-American, 0.0013%; no homozygotes.

Submission:

GeneDx
Classification: Uncertain significance. Last evaluated: 2022-03-08. Review status: criteria provided, single submitter. Criteria: GeneDx Variant Classification Process June 2021. Collection method: clinical testing. Allele origin: germline. Affected: yes.
Comment: In silico analysis supports that this missense variant has a deleterious effect on protein structure/function; Has not been previously published as pathogenic or benign to our knowledge

NM_001009944.3(PKD1):c.10136C>G (p.Ser3379Cys)

Gene: PKD1 (polycystin 1, transient receptor potential channel interacting; minus strand). Cytogenetic location: 16p13.3.
Variant type: single nucleotide variant.
Coding change: c.10136C>G on transcript NM_001009944.3 (MANE Select); coding-DNA position 10136, C replaced by G.
Protein change: p.Ser3379Cys; replaces serine 3379 with cysteine.
Molecular consequence: missense variant.
Genome position (GRCh38, 1-based): chr16:2,097,899, G>C on the plus strand (C>G on the coding strand, the complement: PKD1 is on the minus strand). VCF-style: chr16-2097899-G-C. GRCh37 (hg19) VCF-style: chr16-2147900-G-C.
Other names: c.10136C>G, p.Ser3379Cys (NM_000296.4); short protein forms S3379C.
Identifiers: ClinVar variation 1704767 (VCV001704767.2), dbSNP rs763653467, ClinGen allele CA394348223.
Genomic context (GRCh38, chr16:2,097,899, plus strand): 5'-CAGCCCAGGACCCCCAGTAGAGTCCTCACCTCAGCGTGGAGGCCTGAGAACGTGAGGAAG[G>C]AGCTGTCCAGCACGGACGAGTCCAGGCAGCTGTCGATGTCCAGCACCTGCTGCCCGGCAG-3'
Protein context (NP_001009944.3, residues 3369-3389): SCLDSSVLDS[Ser3379Cys]FLTFSGLHAE